The following is an entry in ClinVar:

NM_001384732.1(CPLANE1):c.5180T>C (p.Ile1727Thr)

Gene: CPLANE1 (ciliogenesis and planar polarity effector complex subunit 1; minus strand). Cytogenetic location: 5p13.2.
Variant type: single nucleotide variant.
Coding change: c.5180T>C on transcript NM_001384732.1 (MANE Select); coding-DNA position 5180, T replaced by C.
Protein change: p.Ile1727Thr; replaces isoleucine 1727 with threonine.
Molecular consequence: missense variant.
Genome position (GRCh38, 1-based): chr5:37,183,001, A>G on the plus strand (T>C on the coding strand, the complement: CPLANE1 is on the minus strand). VCF-style: chr5-37183001-A-G. GRCh37 (hg19) VCF-style: chr5-37183103-A-G.
Other names: c.5180T>C, p.Ile1727Thr (NM_023073.4); short protein forms I1727T.
Identifiers: ClinVar variation 1484233 (VCV001484233.4), dbSNP rs749614170, ClinGen allele CA3238594.
Genomic context (GRCh38, chr5:37,183,001, plus strand): 5'-AGCAGTCTTCCTATACTGCCAAAAGTGTTTAGTGCTAAAGGAAGATCTTCTTGAGGGTTA[A>G]TATCATTGCACTGAATAGCTTTGAAAATACATCTTCTAGTTTTAATGGACTTGGGAGTCC-3'
Protein context (NP_001371661.1, residues 1717-1737): CIFKAIQCND[Ile1727Thr]NPQEDLPLAL

ClinVar aggregate classification (germline): Uncertain significance (1 of 4 stars; one submission).

Allele frequency attached by ClinVar (database versions not stated): gnomAD exomes below 0.00001 and 0.00001; ExAC 0.00001.
gnomAD v4.1: 4 of 1,612,276 alleles (0.00025%); highest among the groups gnomAD compares: South Asian, 0.0044%; no homozygotes.

Submission:

Labcorp Genetics (formerly Invitae), Labcorp
Classification: Uncertain significance. Last evaluated: 2024-01-19. Review status: criteria provided, single submitter. Criteria: Invitae Variant Classification Sherloc (09022015). Collection method: clinical testing. Allele origin: germline.
Comment: This sequence change replaces isoleucine, which is neutral and non-polar, with threonine, which is neutral and polar, at codon 1727 of the CPLANE1 protein (p.Ile1727Thr). This variant is present in population databases (rs749614170, gnomAD 0.01%). This variant has not been reported in the literature in individuals affected with CPLANE1-related conditions. ClinVar contains an entry for this variant (Variation ID: 1484233). Advanced modeling of protein sequence and biophysical properties (such as structural, functional, and spatial information, amino acid conservation, physicochemical variation, residue mobility, and thermodynamic stability) performed at Invitae indicates that this missense variant is not expected to disrupt CPLANE1 protein function with a negative predictive value of 95%. In summary, the available evidence is currently insufficient to determine the role of this variant in disease. Therefore, it has been classified as a Variant of Uncertain Significance.